The following is an entry in ClinVar:

ClinVar aggregate classification (germline): Uncertain significance. Review status: criteria provided, multiple submitters, no conflicts (2 of 4 stars). 3 submissions from 3 submitters: Uncertain significance (3). Last evaluated 2025-01-29.

Allele frequency attached by ClinVar (database versions not stated): gnomAD 0.00001; gnomAD exomes 0.00001 and 0.00002; ExAC 0.00002; TOPMed 0.00002.
gnomAD v4.1: 33 of 1,596,230 alleles (0.0021%); highest among the groups gnomAD compares: Non-Finnish European, 0.0024%; no homozygotes.

Submissions (3):

Labcorp Genetics (formerly Invitae), Labcorp
Classification: Uncertain significance. Last evaluated: 2025-01-29. Review status: criteria provided, single submitter. Criteria: Invitae Variant Classification Sherloc (09022015). Collection method: clinical testing. Allele origin: germline.
Comment: This sequence change affects codon 141 of the COL9A3 mRNA. It is a 'silent' change, meaning that it does not change the encoded amino acid sequence of the COL9A3 protein. This variant also falls at the last nucleotide of exon 8, which is part of the consensus splice site for this exon. The frequency data for this variant in the population databases is considered unreliable, as metrics indicate poor data quality at this position in the gnomAD database. This variant has not been reported in the literature in individuals affected with COL9A3-related conditions. ClinVar contains an entry for this variant (Variation ID: 1401728). Variants that disrupt the consensus splice site are a relatively common cause of aberrant splicing (PMID: 17576681, 9536098). Algorithms developed to predict the effect of sequence changes on RNA splicing suggest that this variant may disrupt the consensus splice site. In summary, the available evidence is currently insufficient to determine the role of this variant in disease. Therefore, it has been classified as a Variant of Uncertain Significance.

Blueprint Genetics
Classification: Uncertain significance. Last evaluated: 2024-10-17. Review status: criteria provided, single submitter. Criteria: ACMG Guidelines, 2015. Collection method: clinical testing. Allele origin: germline.

GeneDx
Classification: Uncertain significance. Last evaluated: 2022-07-06. Review status: criteria provided, single submitter. Criteria: GeneDx Variant Classification Process June 2021. Collection method: clinical testing. Allele origin: germline. Affected: yes.
Comment: Not observed at significant frequency in large population cohorts (gnomAD); Has not been previously published as pathogenic or benign to our knowledge; In silico analysis suggests this variant may impact gene splicing. In the absence of RNA/functional studies, the actual effect of this sequence change is unknown.

Literature cited by the submitters: PubMed 17576681 (cited by Labcorp Genetics (formerly Invitae), Labcorp); PubMed 9536098 (cited by Labcorp Genetics (formerly Invitae), Labcorp).

NM_001853.4(COL9A3):c.423G>A (p.Pro141=)

Gene: COL9A3 (collagen type IX alpha 3 chain; plus strand). Cytogenetic location: 20q13.33.
Variant type: single nucleotide variant.
Coding change: c.423G>A on transcript NM_001853.4 (MANE Select); coding-DNA position 423, G replaced by A.
Protein change: p.Pro141=; no amino-acid change (proline 141 retained).
Molecular consequence: synonymous variant.
Genome position (GRCh38, 1-based): chr20:62,821,810, G>A. VCF-style: chr20-62821810-G-A. GRCh37 (hg19) VCF-style: chr20-61453162-G-A.
Identifiers: ClinVar variation 1401728 (VCV001401728.7), dbSNP rs760470273, ClinGen allele CA9949244.